The following is an entry in ClinVar:

NM_020975.6(RET):c.2332G>A (p.Val778Ile)

Gene: RET (ret proto-oncogene; plus strand). Cytogenetic location: 10q11.21.
Variant type: single nucleotide variant.
Coding change: c.2332G>A on transcript NM_020975.6 (MANE Select); coding-DNA position 2332, G replaced by A.
Protein change: p.Val778Ile; replaces valine 778 with isoleucine.
Molecular consequence: missense variant.
Genome position (GRCh38, 1-based): chr10:43,118,420, G>A. VCF-style: chr10-43118420-G-A. GRCh37 (hg19) VCF-style: chr10-43613868-G-A.
Other names: c.1435G>A, p.Val479Ile (NM_001406779.1, NM_001406780.1, NM_001406781.1 and 1 more transcripts); c.1306G>A, p.Val436Ile (NM_001406783.1, NM_001406786.1); c.1342G>A, p.Val448Ile (NM_001406784.1); c.1315G>A, p.Val439Ile (NM_001406785.1); c.1300G>A, p.Val434Ile (NM_001406787.1); c.1147G>A, p.Val383Ile (NM_001406788.1, NM_001406789.1, NM_001406790.1); c.2332G>A, p.Val778Ile (NM_000323.2, NM_001406743.1, NM_001406744.1 and 4 more transcripts); c.1570G>A, p.Val524Ile (NM_001355216.2); and 10 more; short protein forms V778I, V524I, V448I, V632I, V733I, V383I, V434I, V603I.
Identifiers: ClinVar variation 13955 (VCV000013955.19), dbSNP rs75686697, ClinGen allele CA008677.

ClinVar aggregate classification (germline): Conflicting classifications of pathogenicity. Review status: criteria provided, conflicting classifications (1 of 4 stars). 9 submissions from 6 submitters: Uncertain significance (6); Likely benign (2). 1 of the submissions does not count toward it. Last evaluated 2026-01-06.

Conditions:
RET-related disorder. Also called: RET-related condition; RET-related disease; RET-related disorders.
Hereditary cancer-predisposing syndrome. Also called: Neoplastic Syndromes, Hereditary; Tumor predisposition; Hereditary neoplastic syndrome; Hereditary Cancer Syndrome. Identifiers: Orphanet 140162, MedGen C0027672, MeSH D009386, MONDO:0015356.
Multiple endocrine neoplasia. Identifiers: Orphanet 276161, MedGen C0027662, MONDO:0017169.
Multiple endocrine neoplasia, type 2 (MEN2). Identifiers: Orphanet 653, MedGen C4048306, MONDO:0019003. Disease mechanism: gain of function.
Hirschsprung disease, susceptibility to, 1 (HSCR1). Also called: RET-Related Hirschsprung Disease. Identifiers: Orphanet 388, MedGen C3888239, MONDO:0007723, OMIM 142623.
Pheochromocytoma. Also called: MAX-Related Hereditary Paraganglioma-Pheochromocytoma Syndrome. Identifiers: Orphanet 29072, MedGen C0031511, MONDO:0008233, OMIM 171300, HP:0002666.
Renal hypodysplasia/aplasia 1 (RHDA1). Also called: RENAL APLASIA; HEREDITARY RENAL APLASIA. Identifiers: Orphanet 411709, MedGen C1619700, MONDO:0024519, OMIM 191830.

Allele frequency attached by ClinVar (database versions not stated): gnomAD exomes 0.00003; TOPMed 0.00002; ExAC 0.00003; gnomAD 0.00003.
gnomAD v4.1: 55 of 1,614,026 alleles (0.0034%); highest among the groups gnomAD compares: South Asian, 0.0055%; no homozygotes.

Submissions (9):

Labcorp Genetics (formerly Invitae), Labcorp
Classification: Uncertain significance for Multiple endocrine neoplasia, type 2. Last evaluated: 2026-01-06. Review status: criteria provided, single submitter. Criteria: Invitae Variant Classification Sherloc (09022015). Collection method: clinical testing. Allele origin: germline.
Comment: This sequence change replaces valine, which is neutral and non-polar, with isoleucine, which is neutral and non-polar, at codon 778 of the RET protein (p.Val778Ile). This variant is present in population databases (rs75686697, gnomAD 0.006%). This missense change has been observed in individual(s) with familial medullary thyroid cancer and bilateral renal aplasia (PMID: 11732489, 12016484, 18252215, 30927507). ClinVar contains an entry for this variant (Variation ID: 13955). An algorithm developed specifically for the RET gene suggests that this missense change is likely to be tolerated (PMID: 21479187). Experimental studies have shown that this missense change affects RET function (PMID: 18252215). In summary, the available evidence is currently insufficient to determine the role of this variant in disease. Therefore, it has been classified as a Variant of Uncertain Significance.

PreventionGenetics, part of Exact Sciences
Classification: Uncertain significance for RET-related condition. Last evaluated: 2024-10-28. Review status: criteria provided, single submitter. Criteria: ACMG Guidelines, 2015. Collection method: clinical testing. Allele origin: germline.
Comment: The RET c.2332G>A variant is predicted to result in the amino acid substitution p.Val778Ile. This variant has been reported in five individuals with thyroid cancer (Kasprzak et al. 2001. PubMed ID: 11732489; Table 1. Giacché et al. 2019. PubMed ID: 30927507). It has been seen in cis with p.V804M and is suggested to have an additive effect when seen together (Kasprzak et al. 2001. PubMed ID: 11732489). This variant is reported in 0.0065% of alleles in individuals of South Asian descent in gnomAD. At this time, the clinical significance of this variant is uncertain due to the absence of conclusive functional and genetic evidence.

Color Diagnostics, LLC DBA Color Health
Classification: Likely benign for Multiple endocrine neoplasia, type 2. Last evaluated: 2023-02-16. Review status: criteria provided, single submitter. Criteria: ACMG Guidelines, 2015. Collection method: clinical testing. Allele origin: germline.

Ambry Genetics
Classification: Likely benign for Hereditary cancer-predisposing syndrome. Last evaluated: 2020-02-26. Review status: criteria provided, single submitter. Criteria: Ambry Variant Classification Scheme 2023. Collection method: clinical testing. Allele origin: germline.

Illumina Laboratory Services, Illumina
Classification: Uncertain significance for Hirschsprung disease, susceptibility to, 1. Last evaluated: 2017-04-28. Review status: criteria provided, single submitter. Criteria: ICSL Variant Classification Criteria 13 December 2019. Collection method: clinical testing. Allele origin: germline.

Illumina Laboratory Services, Illumina
Classification: Uncertain significance for Multiple endocrine neoplasia. Last evaluated: 2017-04-28. Review status: criteria provided, single submitter. Criteria: ICSL Variant Classification Criteria 13 December 2019. Collection method: clinical testing. Allele origin: germline.
Comment: This variant was observed as part of a predisposition screen in an ostensibly healthy population. A literature search was performed for the gene, cDNA change, and amino acid change (where applicable). Publications were found based on this search. However, the evidence from the literature, in combination with allele frequency data from public databases where available, was not sufficient to rule this variant in or out of causing disease. Therefore, this variant is classified as a variant of unknown significance.

Illumina Laboratory Services, Illumina
Classification: Uncertain significance for Renal hypodysplasia/aplasia 1. Last evaluated: 2017-04-28. Review status: criteria provided, single submitter. Criteria: ICSL Variant Classification Criteria 13 December 2019. Collection method: clinical testing. Allele origin: germline.

Illumina Laboratory Services, Illumina
Classification: Uncertain significance for Pheochromocytoma. Last evaluated: 2017-04-28. Review status: criteria provided, single submitter. Criteria: ICSL Variant Classification Criteria 13 December 2019. Collection method: clinical testing. Allele origin: germline.

OMIM
Classification: Uncertain significance for RECLASSIFIED - VARIANT OF UNKNOWN SIGNIFICANCE. Last evaluated: 2008-02-01. Review status: no assertion criteria provided. Collection method: literature only. Allele origin: germline. Not counted in ClinVar's aggregate classification.

Literature cited by the submitters: PubMed 11732489 (cited by 3 submitters); PubMed 12016484 (cited by 3 submitters); PubMed 18252215 (cited by 3 submitters); PubMed 30927507 (cited by Labcorp Genetics (formerly Invitae), Labcorp and Ambry Genetics); PubMed 21479187 (cited by Labcorp Genetics (formerly Invitae), Labcorp and Ambry Genetics); PubMed 27798940 (cited by Ambry Genetics).